The following is an entry in ClinVar:

NM_003573.2(LTBP4):c.102C>G (p.Cys34Trp)

Gene: LTBP4 (latent transforming growth factor beta binding protein 4; plus strand). Cytogenetic location: 19q13.2.
Variant type: single nucleotide variant.
Coding change: c.102C>G on transcript NM_003573.2; coding-DNA position 102, C replaced by G.
Protein change: p.Cys34Trp; replaces cysteine 34 with tryptophan.
Molecular consequence: missense variant.
Genome position (GRCh38, 1-based): chr19:40,599,428, C>G. VCF-style: chr19-40599428-C-G. GRCh37 (hg19) VCF-style: chr19-41105334-C-G.
Other names: c.213C>G, p.Cys71Trp (NM_001042544.1); short protein forms C34W, C71W.
Identifiers: ClinVar variation 3905379 (VCV003905379.10).
Genomic context (GRCh38, chr19:40,599,428, plus strand): 5'-AGAGAAGTACTTGGTCCCCTCCTTCCCCACTTAGTCCCTGGCTGTCTCCGAAGCCTTCTG[C>G]AGGGTCCGAAGCTGCCAGCCCAAAAAGTGTGCAGGCCCCCAGCGGTGCCTGAACCCAGTG-3'

ClinVar aggregate classification (germline): Uncertain significance (1 of 4 stars; one submission).

gnomAD v4.1: 1 of 1,613,868 alleles (0.000062%); highest among the groups gnomAD compares: Non-Finnish European, 0.000085%; no homozygotes.

Submission:

CeGaT Center for Human Genetics Tuebingen
Classification: Uncertain significance. Last evaluated: 2025-06-01. Review status: criteria provided, single submitter. Criteria: CeGaT Center For Human Genetics Tuebingen Variant Classification Criteria Version 2. Collection method: clinical testing. Allele origin: germline. Affected: yes. Observed: 1 variant allele.
Comment: LTBP4: PM2, BP4